The following is an entry in ClinVar:

NM_005475.3(SH2B3):c.1460A>C (p.Glu487Ala)

Gene: SH2B3 (SH2B adaptor protein 3; plus strand). Cytogenetic location: 12q24.12.
Variant type: single nucleotide variant.
Coding change: c.1460A>C on transcript NM_005475.3 (MANE Select); coding-DNA position 1460, A replaced by C.
Protein change: p.Glu487Ala; replaces glutamic acid 487 with alanine.
Molecular consequence: missense variant.
Genome position (GRCh38, 1-based): chr12:111,448,034, A>C. VCF-style: chr12-111448034-A-C. GRCh37 (hg19) VCF-style: chr12-111885838-A-C.
Other names: c.854A>C, p.Glu285Ala (NM_001291424.1); short protein forms E285A, E487A.
Identifiers: ClinVar variation 3795019 (VCV003795019.1).
Genomic context (GRCh38, chr12:111,448,034, plus strand): 5'-TTGTCCTAGGTTCCTGCAACACGGTCCTCTTCCCTTTCTCCCTTCCTCACTGGGATTCAG[A>C]GTCCCTTCCTCACTGGGGTTCAGAGTTGGGCCTTCCCCACCTTAGTTCTTCTGGCTGTCC-3'
Protein context (NP_005466.1, residues 477-497): FPFSLPHWDS[Glu487Ala]SLPHWGSELG

ClinVar aggregate classification (germline): Uncertain significance (1 of 4 stars; one submission).

Conditions:
Inborn genetic diseases. Identifiers: MedGen C0950123, MeSH D030342.

gnomAD v4.1: 3 of 1,610,984 alleles (0.00019%); highest among the groups gnomAD compares: Middle Eastern, 0.017%; no homozygotes.

Submission:

Ambry Genetics
Classification: Uncertain significance for Inborn genetic diseases. Last evaluated: 2024-12-21. Review status: criteria provided, single submitter. Criteria: Ambry Variant Classification Scheme 2023. Collection method: clinical testing. Allele origin: germline.
Comment: The p.E487A variant (also known as c.1460A>C), located in coding exon 7 of the SH2B3 gene, results from an A to C substitution at nucleotide position 1460. The glutamic acid at codon 487 is replaced by alanine, an amino acid with dissimilar properties. This amino acid position is conserved. In addition, this alteration is predicted to be tolerated by in silico analysis. Based on the available evidence, the clinical significance of this variant remains unclear.